The following is an entry in ClinVar:

ClinVar aggregate classification (germline): Likely pathogenic (1 of 4 stars; one submission).

Conditions:
Anemia, nonspherocytic hemolytic, due to G6PD deficiency (CNSHA1). Also called: Hemolytic anemia due to G6PD deficiency; Class I glucose-6-phosphate dehydrogenase deficiency; Favism, susceptibility to; ANEMIA, CONGENITAL, NONSPHEROCYTIC HEMOLYTIC, 1. Identifiers: Orphanet 466026, MedGen C2720289, MONDO:0010480, OMIM 300908.

Submission:

Dunham Lab, University of Washington
Classification: Likely pathogenic for Anemia, nonspherocytic hemolytic, due to G6PD deficiency. Last evaluated: 2022-08-12. Review status: criteria provided, single submitter. Criteria: Bayesian ACMG Guidelines, 2018. Collection method: curation. Allele origin: unknown. Affected: yes.
Comment: Variant found in unrelated hemizygotes with G6PD deficiency and CNSHA (PS4_M, PP4). Decreased activity in red blood cells of hemizygotes (3-19%) (PS3). Not observed in gnomAD (PM2). Post_P 0.988 (odds of pathogenicity 729.3, Prior_P 0.1).

Literature cited by the submitters: PubMed 7858267; PubMed 8193373.

NM_001360016.2(G6PD):c.527A>G (p.Asp176Gly)

Gene: G6PD (glucose-6-phosphate dehydrogenase; minus strand). Cytogenetic location: Xq28.
Variant type: single nucleotide variant.
Coding change: c.527A>G on transcript NM_001360016.2 (MANE Select); coding-DNA position 527, A replaced by G.
Protein change: p.Asp176Gly; replaces aspartic acid 176 with glycine.
Molecular consequence: missense variant.
Genome position (GRCh38, 1-based): chrX:154,534,455, T>C on the plus strand (A>G on the coding strand, the complement: G6PD is on the minus strand). VCF-style: chrX-154534455-T-C. GRCh37 (hg19) VCF-style: chrX-153762670-T-C.
Other names: G6PD Shinshu; c.617A>G, p.Asp206Gly (NM_000402.4); c.527A>G, p.Asp176Gly (NM_001042351.3); short protein forms D176G, D206G.
Identifiers: ClinVar variation 1722737 (VCV001722737.2), dbSNP rs2523268306, ClinGen allele CA415238078.